The following is an entry in ClinVar:

NM_000128.4(F11):c.485+1G>A

Gene: F11 (coagulation factor XI; plus strand). Cytogenetic location: 4q35.2.
Variant type: single nucleotide variant.
Coding change: c.485+1G>A on transcript NM_000128.4 (MANE Select); the canonical splice donor site of the intron after coding-DNA position 485, G replaced by A.
Molecular consequence: splice donor variant. On other transcripts: synonymous variant (1).
Genome position (GRCh38, 1-based): chr4:186,274,276, G>A. VCF-style: chr4-186274276-G-A. GRCh37 (hg19) VCF-style: chr4-187195430-G-A.
Other names: c.486G>A, p.Arg162= (NM_001354804.2).
Identifiers: ClinVar variation 1471764 (VCV001471764.6), dbSNP rs2126731736, ClinGen allele CA358958749.

ClinVar aggregate classification (germline): Likely pathogenic (1 of 4 stars; one submission).

Submission:

Labcorp Genetics (formerly Invitae), Labcorp
Classification: Likely pathogenic. Last evaluated: 2021-07-09. Review status: criteria provided, single submitter. Criteria: Invitae Variant Classification Sherloc (09022015). Collection method: clinical testing. Allele origin: germline.
Comment: Algorithms developed to predict the effect of sequence changes on RNA splicing suggest that this variant may disrupt the consensus splice site. In summary, the currently available evidence indicates that the variant is pathogenic, but additional data are needed to prove that conclusively. Therefore, this variant has been classified as Likely Pathogenic. Disruption of this splice site has been observed in individual(s) with autosomal recessive factor XI (FXI) deficiency (PMID: 27067486). This sequence change affects a donor splice site in intron 5 of the F11 gene. It is expected to disrupt RNA splicing. Variants that disrupt the donor or acceptor splice site typically lead to a loss of protein function (PMID: 16199547), and loss-of-function variants in F11 are known to be pathogenic (PMID: 23929304). This variant is not present in population databases (ExAC no frequency).

Literature cited by the submitters: PubMed 27067486; PubMed 16199547; PubMed 23929304.